The following is an entry in ClinVar:

NM_145886.4(PIDD1):c.2042-3_2042-2insGCCCTCCTTGCTCAGCCCACCCCTGTCCCCTGGATTGCCCTGACTGCGTGGATGCTGATAGGCCCTCCCTGTCCTGGAGGGGGAGCCTTACCGTCCTCCCCAT

Gene: PIDD1 (p53-induced death domain protein 1; minus strand). Cytogenetic location: 11p15.5.
Variant type: Insertion.
Coding change: c.2042-3_2042-2insGCCCTCCTTGCTCAGCCCACCCCTGTCCCCTGGATTGCCCTGACTGCGTGGATGCTGATAGGCCCTCCCTGTCCTGGAGGGGGAGCCTTACCGTCCTCCCCAT on transcript NM_145886.4 (MANE Select); 3 bases into the intron before coding-DNA position 2042 through the canonical splice acceptor site of the intron before coding-DNA position 2042, GCCCTCCTTGCTCAGCCCACCCCTGTCCCCTGGATTGCCCTGACTGCGTGGATGCTGATAGGCCCTCCCTGTCCTGGAGGGGGAGCCTTACCGTCCTCCCCAT inserted.
Molecular consequence: intron variant.
Genome position: GRCh38: chr11:800,484-800,485. GRCh37 (hg19): chr11:800,484-800,485.
Other names: c.2042-3_2042-2insGCCCTCCTTGCTCAGCCCACCCCTGTCCCCTGGATTGCCCTGACTGCGTGGATGCTGATAGGCCCTCCCTGTCCTGGAGGGGGAGCCTTACCGTCCTCCCCAT (NM_145887.4).
Identifiers: ClinVar variation 3032444 (VCV003032444.2), dbSNP rs1565052908, ClinGen allele CA597022182.

ClinVar aggregate classification (germline): Likely benign (0 of 4 stars; one submission).

Conditions:
PIDD1-related disorder. Also called: PIDD1-related condition.

Submission:

PreventionGenetics, part of Exact Sciences
Classification: Likely benign for PIDD1-related condition. Last evaluated: 2023-12-12. Review status: no assertion criteria provided. Collection method: clinical testing. Allele origin: germline.
Comment: This variant is classified as likely benign based on ACMG/AMP sequence variant interpretation guidelines (Richards et al. 2015 PMID: 25741868, with internal and published modifications).